The following is an entry in ClinVar:

ClinVar aggregate classification (germline): Likely benign. Review status: criteria provided, multiple submitters, no conflicts (2 of 4 stars). 3 submissions from 3 submitters: Likely benign (3). Last evaluated 2026-09-22.

Conditions:
Neurofibromatosis, type 1 (NF1). Also called: NEUROFIBROMATOSIS, TYPE I, SOMATIC; Neurofibromatosis, type I; VON RECKLINGHAUSEN DISEASE; Peripheral type neurofibromatosis. Identifiers: Orphanet 636, MedGen C0027831, MONDO:0018975, OMIM 162200. Disease mechanism: loss of function.

Allele frequency attached by ClinVar (database versions not stated): gnomAD exomes 0.00001 and 0.00002; gnomAD 0.00001.
gnomAD v4.1: 17 of 1,611,558 alleles (0.0011%); highest among the groups gnomAD compares: East Asian, 0.0022%; no homozygotes.

Submissions (3):

Myriad Genetics, Inc.
Classification: Likely benign for Neurofibromatosis, type 1. Last evaluated: 2026-09-22. Review status: criteria provided, single submitter. Criteria: Myriad Autosomal Dominant, Autosomal Recessive and X-Linked Classification Criteria (2023). Collection method: clinical testing. Allele origin: unknown.
Comment: This variant is considered likely benign. This variant is intronic and is not expected to impact mRNA splicing.

Labcorp Genetics (formerly Invitae), Labcorp
Classification: Likely benign for Neurofibromatosis, type 1. Last evaluated: 2025-09-01. Review status: criteria provided, single submitter. Criteria: Invitae Variant Classification Sherloc (09022015). Collection method: clinical testing. Allele origin: germline.

Blueprint Genetics
Classification: Likely benign. Last evaluated: 2022-12-09. Review status: criteria provided, single submitter. Criteria: ACMG Guidelines, 2015. Collection method: clinical testing. Allele origin: germline.

NM_001042492.3(NF1):c.2851-11T>C

Gene: NF1 (neurofibromin 1; plus strand). Cytogenetic location: 17q11.2.
Variant type: single nucleotide variant.
Coding change: c.2851-11T>C on transcript NM_001042492.3 (MANE Select); 11 bases into the intron before coding-DNA position 2851, T replaced by C.
Molecular consequence: intron variant.
Genome position (GRCh38, 1-based): chr17:31,229,824, T>C. VCF-style: chr17-31229824-T-C. GRCh37 (hg19) VCF-style: chr17-29556842-T-C.
Other names: c.2851-11T>C (NM_000267.4).
Identifiers: ClinVar variation 1664418 (VCV001664418.10), dbSNP rs1332945782, ClinGen allele CA625780644.